The following is an entry in ClinVar:

ClinVar aggregate classification (germline): Uncertain significance. Review status: criteria provided, multiple submitters, no conflicts (2 of 4 stars). 2 submissions from 2 submitters: Uncertain significance (2). Last evaluated 2025-07-06.

Conditions:
Developmental and epileptic encephalopathy, 62. Also called: Early infantile epileptic encephalopathy 62. Identifiers: MedGen C4693699, MONDO:0033371, OMIM 617938.

Allele frequency attached by ClinVar (database versions not stated): TOPMed 0.00001.
gnomAD v4.1: 5 of 1,613,240 alleles (0.00031%); highest among the groups gnomAD compares: Middle Eastern, 0.016%; no homozygotes.

Submissions (2):

Labcorp Genetics (formerly Invitae), Labcorp
Classification: Uncertain significance. Last evaluated: 2025-07-06. Review status: criteria provided, single submitter. Criteria: Invitae Variant Classification Sherloc (09022015). Collection method: clinical testing. Allele origin: germline.
Comment: This sequence change replaces methionine, which is neutral and non-polar, with valine, which is neutral and non-polar, at codon 784 of the SCN3A protein (p.Met784Val). This variant is present in population databases (no rsID available, gnomAD 0.0009%). This variant has not been reported in the literature in individuals affected with SCN3A-related conditions. ClinVar contains an entry for this variant (Variation ID: 801774). Invitae Evidence Modeling of protein sequence and biophysical properties (such as structural, functional, and spatial information, amino acid conservation, physicochemical variation, residue mobility, and thermodynamic stability) indicates that this missense variant is expected to disrupt SCN3A protein function with a positive predictive value of 95%. In summary, the available evidence is currently insufficient to determine the role of this variant in disease. Therefore, it has been classified as a Variant of Uncertain Significance.

Mendelics
Classification: Uncertain significance for Developmental and epileptic encephalopathy, 62. Last evaluated: 2019-05-28. Review status: criteria provided, single submitter. Criteria: Mendelics Assertion Criteria 2017. Collection method: clinical testing. Allele origin: unknown.

NM_006922.4(SCN3A):c.2350A>G (p.Met784Val)

Gene: SCN3A (sodium voltage-gated channel alpha subunit 3; minus strand). Cytogenetic location: 2q24.3.
Variant type: single nucleotide variant.
Coding change: c.2350A>G on transcript NM_006922.4 (MANE Select); coding-DNA position 2350, A replaced by G.
Protein change: p.Met784Val; replaces methionine 784 with valine.
Molecular consequence: missense variant.
Genome position (GRCh38, 1-based): chr2:165,137,920, T>C on the plus strand (A>G on the coding strand, the complement: SCN3A is on the minus strand). VCF-style: chr2-165137920-T-C. GRCh37 (hg19) VCF-style: chr2-165994430-T-C.
Other names: c.2203A>G, p.Met735Val (NM_001081676.2, NM_001081677.2); short protein forms M735V, M784V.
Identifiers: ClinVar variation 801774 (VCV000801774.2), dbSNP rs778744191, ClinGen allele CA59740002.